The following is an entry in ClinVar:

NM_014712.3(SETD1A):c.4998C>G (p.Ile1666Met)

Gene: SETD1A (SET domain containing 1A, histone lysine methyltransferase; plus strand). Cytogenetic location: 16p11.2.
Variant type: single nucleotide variant.
Coding change: c.4998C>G on transcript NM_014712.3 (MANE Select); coding-DNA position 4998, C replaced by G.
Protein change: p.Ile1666Met; replaces isoleucine 1666 with methionine.
Molecular consequence: missense variant.
Genome position (GRCh38, 1-based): chr16:30,983,897, C>G. VCF-style: chr16-30983897-C-G. GRCh37 (hg19) VCF-style: chr16-30995218-C-G.
Other names: short protein forms I1666M.
Identifiers: ClinVar variation 3898016 (VCV003898016.1).

ClinVar aggregate classification (germline): Uncertain significance (1 of 4 stars; one submission).

Conditions:
Neurodevelopmental disorder with speech impairment and dysmorphic facies. Identifiers: MedGen C5436699, MONDO:0033630, OMIM 619056.

gnomAD v4.1: 2 of 1,612,476 alleles (0.00012%); highest among the groups gnomAD compares: Admixed American, 0.0034%; no homozygotes.

Submission:

Neuberg Centre For Genomic Medicine, NCGM
Classification: Uncertain significance for Neurodevelopmental disorder with speech impairment and dysmorphic facies. Last evaluated: 2024-02-01. Review status: criteria provided, single submitter. Criteria: ACMG Guidelines, 2015. Collection method: clinical testing. Allele origin: germline. Inheritance: Autosomal dominant inheritance.
Comment: The amino acid Ile at position 1666 is changed to a Met changing protein sequence and it might alter its composition and physico-chemical properties. The classification is based on ACMG rules, with the supporting clinical evidence rules (PM2,PP3). For these reasons, this variant has been classified as uncertain significance.